The following is an entry in ClinVar:

ClinVar aggregate classification (germline): Likely benign (0 of 4 stars; one submission).

Conditions:
ATG2B-related disorder. Also called: ATG2B-related condition.

Allele frequency attached by ClinVar (database versions not stated): ExAC 0.00001; gnomAD 0.00001; TOPMed 0.00003; ESP Exome Variant Server 0.00008.
gnomAD v4.1: 58 of 1,613,942 alleles (0.0036%); highest among the groups gnomAD compares: Non-Finnish European, 0.0043%; no homozygotes.

Submission:

PreventionGenetics, part of Exact Sciences
Classification: Likely benign for ATG2B-related condition. Last evaluated: 2019-02-20. Review status: no assertion criteria provided. Collection method: clinical testing. Allele origin: germline.
Comment: This variant is classified as likely benign based on ACMG/AMP sequence variant interpretation guidelines (Richards et al. 2015 PMID: 25741868, with internal and published modifications).

NM_018036.7(ATG2B):c.5109G>A (p.Ser1703=)

Gene: ATG2B (autophagy related 2B; minus strand). Cytogenetic location: 14q32.2.
Variant type: single nucleotide variant.
Coding change: c.5109G>A on transcript NM_018036.7 (MANE Select); coding-DNA position 5109, G replaced by A.
Protein change: p.Ser1703=; no amino-acid change (serine 1703 retained).
Molecular consequence: synonymous variant.
Genome position (GRCh38, 1-based): chr14:96,302,037, C>T on the plus strand (G>A on the coding strand, the complement: ATG2B is on the minus strand). VCF-style: chr14-96302037-C-T. GRCh37 (hg19) VCF-style: chr14-96768374-C-T.
Identifiers: ClinVar variation 3058524 (VCV003058524.2), dbSNP rs368514043, ClinGen allele CA7335729.